The following is an entry in ClinVar:

ClinVar aggregate classification (germline): Uncertain significance (1 of 4 stars; one submission).

Conditions:
Familial adenomatous polyposis 1 (FAP1). Also called: FAMILIAL ADENOMATOUS POLYPOSIS 1, ATTENUATED; POLYPOSIS, ADENOMATOUS INTESTINAL. Identifiers: MedGen C2713442, MONDO:0021056, OMIM 175100. Disease mechanism: loss of function.

Submission:

Labcorp Genetics (formerly Invitae), Labcorp
Classification: Uncertain significance for Familial adenomatous polyposis 1. Last evaluated: 2023-04-22. Review status: criteria provided, single submitter. Criteria: Invitae Variant Classification Sherloc (09022015). Collection method: clinical testing. Allele origin: germline.
Comment: In summary, the available evidence is currently insufficient to determine the role of this variant in disease. Therefore, it has been classified as a Variant of Uncertain Significance. This variant is not present in population databases (gnomAD no frequency). This variant has not been reported in the literature in individuals affected with APC-related conditions. ClinVar contains an entry for this variant (Variation ID: 1937035). Advanced modeling of protein sequence and biophysical properties (such as structural, functional, and spatial information, amino acid conservation, physicochemical variation, residue mobility, and thermodynamic stability) performed at Invitae indicates that this missense variant is not expected to disrupt APC protein function. This sequence change replaces serine, which is neutral and polar, with alanine, which is neutral and non-polar, at codon 2497 of the APC protein (p.Ser2497Ala).

NM_000038.6(APC):c.7489T>G (p.Ser2497Ala)

Gene: APC (APC regulator of Wnt signaling pathway; plus strand). Cytogenetic location: 5q22.2.
Variant type: single nucleotide variant.
Coding change: c.7489T>G on transcript NM_000038.6 (MANE Select); coding-DNA position 7489, T replaced by G.
Protein change: p.Ser2497Ala; replaces serine 2497 with alanine.
Molecular consequence: missense variant.
Genome position (GRCh38, 1-based): chr5:112,843,083, T>G. VCF-style: chr5-112843083-T-G. GRCh37 (hg19) VCF-style: chr5-112178780-T-G.
Other names: c.7489T>G, p.Ser2497Ala (NM_001127510.3, NM_001354895.2, NM_001407450.1); c.7435T>G, p.Ser2479Ala (NM_001127511.3); c.7543T>G, p.Ser2515Ala (NM_001354896.2, NM_001407447.1, NM_001407448.1 and 1 more transcripts); c.7519T>G, p.Ser2507Ala (NM_001354897.2); c.7414T>G, p.Ser2472Ala (NM_001354898.2); c.7405T>G, p.Ser2469Ala (NM_001354899.2); c.7366T>G, p.Ser2456Ala (NM_001354900.2); c.7312T>G, p.Ser2438Ala (NM_001354901.2, NM_001407453.1); and 11 more; short protein forms S2406A, S2438A, S2456A, S2479A, S2113A, S2371A, S2469A, S2490A.
Identifiers: ClinVar variation 1937035 (VCV001937035.5), dbSNP rs2149988175, ClinGen allele CA16037622.
Genomic context (GRCh38, chr5:112,843,083, plus strand): 5'-TCCCAGGCACAAACTCCAGTTTTAAGTCCTTCCCTTCCTGATATGTCTCTATCCACACAT[T>G]CGTCTGTTCAGGCTGGTGGATGGCGAAAACTCCCACCTAATCTCAGTCCCACTATAGAGT-3'
Protein context (NP_000029.2, residues 2487-2507): SLPDMSLSTH[Ser2497Ala]SVQAGGWRKL